The following is an entry in ClinVar:

ClinVar aggregate classification (germline): Likely benign. Review status: criteria provided, multiple submitters, no conflicts (2 of 4 stars). 3 submissions from 3 submitters: Likely benign (3). Last evaluated 2026-08-13.

Conditions:
Hereditary cancer-predisposing syndrome. Also called: Neoplastic Syndromes, Hereditary; Hereditary Cancer Syndrome; Tumor predisposition; Hereditary neoplastic syndrome. Identifiers: Orphanet 140162, MedGen C0027672, MeSH D009386, MONDO:0015356.
KIT-related disorder. Also called: KIT-related condition.
Gastrointestinal stromal tumor. Also called: Gastrointestinal stroma tumor; Gastrointestinal stromal tumor, somatic. Identifiers: Orphanet 44890, MedGen C0238198, MeSH D046152, MONDO:0011719, OMIM 606764, HP:0100723.

Allele frequency attached by ClinVar (database versions not stated): gnomAD exomes below 0.00001; ExAC 0.00001.
gnomAD v4.1: 7 of 1,614,186 alleles (0.00043%); highest among the groups gnomAD compares: Non-Finnish European, 0.00059%; no homozygotes.

Submissions (3):

PreventionGenetics, part of Exact Sciences
Classification: Likely benign for KIT-related condition. Last evaluated: 2026-08-13. Review status: criteria provided, single submitter. Criteria: ACMG Guidelines, 2015. Collection method: clinical testing. Allele origin: germline.
Comment: This variant is classified as likely benign based on ACMG/AMP sequence variant interpretation guidelines (Richards et al. 2015 PMID: 25741868, with internal and published modifications).

Labcorp Genetics (formerly Invitae), Labcorp
Classification: Likely benign for Gastrointestinal stromal tumor. Last evaluated: 2025-11-19. Review status: criteria provided, single submitter. Criteria: Invitae Variant Classification Sherloc (09022015). Collection method: clinical testing. Allele origin: germline.

Ambry Genetics
Classification: Likely benign for Hereditary cancer-predisposing syndrome. Last evaluated: 2019-10-14. Review status: criteria provided, single submitter. Criteria: Ambry Variant Classification Scheme 2023. Collection method: clinical testing. Allele origin: germline.

NM_000222.3(KIT):c.1617T>C (p.Ile539=)

Gene: KIT (KIT proto-oncogene, receptor tyrosine kinase; plus strand). Cytogenetic location: 4q12.
Variant type: single nucleotide variant.
Coding change: c.1617T>C on transcript NM_000222.3 (MANE Select); coding-DNA position 1617, T replaced by C.
Protein change: p.Ile539=; no amino-acid change (isoleucine 539 retained).
Molecular consequence: synonymous variant.
Genome position (GRCh38, 1-based): chr4:54,727,294, T>C. VCF-style: chr4-54727294-T-C. GRCh37 (hg19) VCF-style: chr4-55593460-T-C.
Other names: c.1605T>C, p.Ile535= (NM_001093772.2, NM_001385286.1); c.1620T>C, p.Ile540= (NM_001385284.1, NM_001385290.1); c.1617T>C, p.Ile539= (NM_001385285.1); c.1608T>C, p.Ile536= (NM_001385288.1, NM_001385292.1).
Identifiers: ClinVar variation 819673 (VCV000819673.14), dbSNP rs750491922, ClinGen allele CA2923535.